The following is an entry in ClinVar:

NM_001018113.3(FANCB):c.124A>G (p.Ile42Val)

Gene: FANCB (FA complementation group B; minus strand). Cytogenetic location: Xp22.2.
Variant type: single nucleotide variant.
Coding change: c.124A>G on transcript NM_001018113.3 (MANE Select); coding-DNA position 124, A replaced by G.
Protein change: p.Ile42Val; replaces isoleucine 42 with valine.
Molecular consequence: missense variant. On other transcripts: non-coding transcript variant (1).
Genome position (GRCh38, 1-based): chrX:14,865,387, T>C on the plus strand (A>G on the coding strand, the complement: FANCB is on the minus strand). VCF-style: chrX-14865387-T-C. GRCh37 (hg19) VCF-style: chrX-14883509-T-C.
Other names: c.124A>G, p.Ile42Val (NM_001324162.2, NM_152633.4); short protein forms I42V.
Identifiers: ClinVar variation 1692528 (VCV001692528.1), dbSNP rs2147447859, ClinGen allele CA412445232.

ClinVar aggregate classification (germline): Uncertain significance (1 of 4 stars; one submission).

Conditions:
Fanconi anemia (FA). Also called: Fanconi's anemia. Identifiers: Orphanet 84, MedGen C0015625, MeSH D005199, MONDO:0019391.

Allele frequency attached by ClinVar (database versions not stated): gnomAD exomes below 0.00001.
gnomAD v4.1: 6 of 1,205,482 alleles (0.0005%); highest among the groups gnomAD compares: Non-Finnish European, 0.00056%; no homozygotes.

Submission:

Sema4
Classification: Uncertain significance for Fanconi anemia. Last evaluated: 2021-09-29. Review status: criteria provided, single submitter. Criteria: Sema4 Curation Guidelines. Collection method: curation. Allele origin: germline.
Comment: The FANCB c.124A>G (p.I42V) variant has not been reported in the literature to our knowledge. It was not observed in the large and broad cohorts of the Genome Aggregation Database. The variant has not been reported in ClinVar. In silico tools suggest the impact of the variant on protein function is benign, though these predictions have not been confirmed by functional studies. There is no indication that this variant causes disease, but the evidence is insufficient currently to prove that conclusively. Thus, the clinical significance of this variant is currently uncertain.